The following is an entry in ClinVar:

NM_004104.5(FASN):c.6020G>A (p.Arg2007Gln)

Gene: FASN (fatty acid synthase; minus strand). Cytogenetic location: 17q25.3.
Variant type: single nucleotide variant.
Coding change: c.6020G>A on transcript NM_004104.5 (MANE Select); coding-DNA position 6020, G replaced by A.
Protein change: p.Arg2007Gln; replaces arginine 2007 with glutamine.
Molecular consequence: missense variant.
Genome position (GRCh38, 1-based): chr17:82,082,152, C>T on the plus strand (G>A on the coding strand, the complement: FASN is on the minus strand). VCF-style: chr17-82082152-C-T. GRCh37 (hg19) VCF-style: chr17-80040028-C-T.
Other names: c.6020G>A (NM_004104.4); short protein forms R2007Q.
Identifiers: ClinVar variation 1043385 (VCV001043385.9), dbSNP rs766478964, ClinGen allele CA8851446.

ClinVar aggregate classification (germline): Uncertain significance. Review status: criteria provided, multiple submitters, no conflicts (2 of 4 stars). 2 submissions from 2 submitters: Uncertain significance (2). Last evaluated 2025-06-10.

Conditions:
Epileptic encephalopathy. Identifiers: MedGen C0543888, HP:0200134.

Allele frequency attached by ClinVar (database versions not stated): gnomAD 0.00002 and 0.00003; gnomAD exomes 0.00002; ExAC 0.00003; TOPMed 0.00005.
gnomAD v4.1: 35 of 1,603,394 alleles (0.0022%); highest among the groups gnomAD compares: East Asian, 0.0089%; no homozygotes.

Submissions (2):

Ambry Genetics
Classification: Uncertain significance. Last evaluated: 2025-06-10. Review status: criteria provided, single submitter. Criteria: Ambry Variant Classification Scheme 2023. Collection method: clinical testing. Allele origin: germline.

Labcorp Genetics (formerly Invitae), Labcorp
Classification: Uncertain significance for Epileptic encephalopathy. Last evaluated: 2021-02-24. Review status: criteria provided, single submitter. Criteria: Invitae Variant Classification Sherloc (09022015). Collection method: clinical testing. Allele origin: germline.
Comment: This sequence change replaces arginine with glutamine at codon 2007 of the FASN protein (p.Arg2007Gln). The arginine residue is highly conserved and there is a small physicochemical difference between arginine and glutamine. This variant is present in population databases (rs766478964, ExAC 0.006%). This variant has not been reported in the literature in individuals with FASN-related conditions. Algorithms developed to predict the effect of missense changes on protein structure and function are either unavailable or do not agree on the potential impact of this missense change (SIFT: "Deleterious"; PolyPhen-2: "Probably Damaging"; Align-GVGD: "Class C0"). In summary, the available evidence is currently insufficient to determine the role of this variant in disease. Therefore, it has been classified as a Variant of Uncertain Significance.